The following is an entry in ClinVar:

NM_003906.5(MCM3AP):c.1863G>C (p.Arg621=)

Gene: MCM3AP (minichromosome maintenance complex component 3 associated protein; minus strand). Cytogenetic location: 21q22.3.
Variant type: single nucleotide variant.
Coding change: c.1863G>C on transcript NM_003906.5 (MANE Select); coding-DNA position 1863, G replaced by C.
Protein change: p.Arg621=; no amino-acid change (arginine 621 retained).
Molecular consequence: synonymous variant.
Genome position (GRCh38, 1-based): chr21:46,275,321, C>G on the plus strand (G>C on the coding strand, the complement: MCM3AP is on the minus strand). VCF-style: chr21-46275321-C-G. GRCh37 (hg19) VCF-style: chr21-47695235-C-G.
Identifiers: ClinVar variation 5041267 (VCV005041267.1).

ClinVar aggregate classification (germline): Likely benign (1 of 4 stars; one submission).

Submission:

CeGaT Center for Human Genetics Tuebingen
Classification: Likely benign. Last evaluated: 2026-09-01. Review status: criteria provided, single submitter. Criteria: CeGaT Center For Human Genetics Tuebingen Variant Classification Criteria Version 2. Collection method: clinical testing. Allele origin: germline. Affected: yes. Observed: 1 variant allele.
Comment: MCM3AP: BP4, BP7